The following is an entry in ClinVar:

ClinVar aggregate classification (germline): Uncertain significance (1 of 4 stars; one submission).

Conditions:
Breast-ovarian cancer, familial, susceptibility to, 4. Identifiers: Orphanet 145, MedGen C3280345, MONDO:0013669, OMIM 614291.

Submission:

Labcorp Genetics (formerly Invitae), Labcorp
Classification: Uncertain significance for Breast-ovarian cancer, familial, susceptibility to, 4. Last evaluated: 2022-02-28. Review status: criteria provided, single submitter. Criteria: Invitae Variant Classification Sherloc (09022015). Collection method: clinical testing. Allele origin: germline.
Comment: This variant has not been reported in the literature in individuals affected with RAD51D-related conditions. This variant is not present in population databases (gnomAD no frequency). Algorithms developed to predict the effect of missense changes on protein structure and function (SIFT, PolyPhen-2, Align-GVGD) all suggest that this variant is likely to be tolerated. In summary, the available evidence is currently insufficient to determine the role of this variant in disease. Therefore, it has been classified as a Variant of Uncertain Significance. This sequence change replaces serine, which is neutral and polar, with asparagine, which is neutral and polar, at codon 22 of the RAD51D protein (p.Ser22Asn).

NM_002878.4(RAD51D):c.65G>A (p.Ser22Asn)

Genes: RAD51D (RAD51 paralog D; minus strand), RAD51L3-RFFL (RAD51L3-RFFL readthrough; minus strand). Cytogenetic location: 17q12.
Variant type: single nucleotide variant.
Coding change: c.65G>A on transcript NM_002878.4 (MANE Select); coding-DNA position 65, G replaced by A.
Protein change: p.Ser22Asn; replaces serine 22 with asparagine.
Molecular consequence: missense variant. On other transcripts: non-coding transcript variant (2).
Genome position (GRCh38, 1-based): chr17:35,119,549, C>T on the plus strand (G>A on the coding strand, the complement: RAD51D is on the minus strand). VCF-style: chr17-35119549-C-T. GRCh37 (hg19) VCF-style: chr17-33446568-C-T.
Other names: c.65G>A, p.Ser22Asn (NM_001142571.2, NM_133629.3); short protein forms S22N.
Identifiers: ClinVar variation 1469202 (VCV001469202.8), dbSNP rs2142480287, ClinGen allele CA399092336.